The following is an entry in ClinVar:

NM_001378615.1(CC2D2A):c.950G>T (p.Gly317Val)

Genes: CC2D2A (coiled-coil and C2 domain containing 2A; plus strand), FBXL5 (F-box and leucine rich repeat protein 5; minus strand). Cytogenetic location: 4p15.32.
Variant type: single nucleotide variant.
Coding change: c.950G>T on transcript NM_001378615.1 (MANE Select); coding-DNA position 950, G replaced by T.
Protein change: p.Gly317Val; replaces glycine 317 with valine.
Molecular consequence: missense variant.
Genome position (GRCh38, 1-based): chr4:15,515,937, G>T. VCF-style: chr4-15515937-G-T. GRCh37 (hg19) VCF-style: chr4-15517560-G-T.
Other names: c.950G>T, p.Gly317Val (NM_001080522.2); c.803G>T, p.Gly268Val (NM_001378617.1); short protein forms G317V, G268V.
Identifiers: ClinVar variation 593314 (VCV000593314.15), dbSNP rs775632403, ClinGen allele CA2863526.

ClinVar aggregate classification (germline): Uncertain significance. Review status: criteria provided, multiple submitters, no conflicts (2 of 4 stars). 5 submissions from 5 submitters: Uncertain significance (4). 1 of the submissions does not count toward it. Last evaluated 2025-12-08.

Conditions:
Meckel-Gruber syndrome. Also called: Dysencephalia splachnocystica; DYSENCEPHALIA SPLANCHNOCYSTICA; GRUBER SYNDROME. Identifiers: Orphanet 564, MedGen C0265215, MONDO:0018921.
Joubert syndrome. Also called: Familial aplasia of the vermis; JOUBERT-BOLTSHAUSER SYNDROME. Identifiers: Orphanet 475, MedGen C5979921, MONDO:0018772.
Inborn genetic diseases. Identifiers: MedGen C0950123, MeSH D030342.
Joubert syndrome 9 (JBTS9). Identifiers: Orphanet 2318, MedGen C2676788, MONDO:0012849, OMIM 612285.
Meckel syndrome, type 6. Identifiers: Orphanet 564, MedGen C2676790, MONDO:0012848, OMIM 612284.
Retinitis pigmentosa 93. Identifiers: MedGen C5676970, MONDO:0030797, OMIM 619845.
COACH syndrome 2. Identifiers: MedGen C5436837, MONDO:0030859, OMIM 619111.
CC2D2A-related disorder. Also called: CC2D2A-related disorders; CC2D2A-related condition. Identifiers: MedGen CN239313.

Allele frequency attached by ClinVar (database versions not stated): ExAC below 0.00001; gnomAD exomes 0.00001; gnomAD 0.00007; TOPMed 0.00007.
gnomAD v4.1: 19 of 1,568,774 alleles (0.0012%); highest among the groups gnomAD compares: African/African-American, 0.026%; no homozygotes.

Submissions (5):

Labcorp Genetics (formerly Invitae), Labcorp
Classification: Uncertain significance for Joubert syndrome; Meckel-Gruber syndrome. Last evaluated: 2025-12-08. Review status: criteria provided, single submitter. Criteria: Invitae Variant Classification Sherloc (09022015). Collection method: clinical testing. Allele origin: germline.
Comment: This sequence change replaces glycine, which is neutral and non-polar, with valine, which is neutral and non-polar, at codon 317 of the CC2D2A protein (p.Gly317Val). The frequency data for this variant in the population databases is considered unreliable, as metrics indicate poor data quality at this position in the gnomAD database. This variant has not been reported in the literature in individuals affected with CC2D2A-related conditions. ClinVar contains an entry for this variant (Variation ID: 593314). Invitae Evidence Modeling of protein sequence and biophysical properties (such as structural, functional, and spatial information, amino acid conservation, physicochemical variation, residue mobility, and thermodynamic stability) indicates that this missense variant is expected to disrupt CC2D2A protein function with a positive predictive value of 80%. In summary, the available evidence is currently insufficient to determine the role of this variant in disease. Therefore, it has been classified as a Variant of Uncertain Significance.

Fulgent Genetics
Classification: Uncertain significance for Meckel syndrome, type 6; Joubert syndrome 9; COACH syndrome 2; Retinitis pigmentosa 93. Last evaluated: 2024-05-29. Review status: criteria provided, single submitter. Criteria: ACMG Guidelines, 2015. Collection method: clinical testing. Allele origin: germline.

Ambry Genetics
Classification: Uncertain significance for Inborn genetic diseases. Last evaluated: 2021-10-27. Review status: criteria provided, single submitter. Criteria: Ambry Variant Classification Scheme 2023. Collection method: clinical testing. Allele origin: germline.

Eurofins Ntd Llc (ga)
Classification: Uncertain significance. Last evaluated: 2017-08-03. Review status: criteria provided, single submitter. Criteria: EGL Classification Definitions 2015. Collection method: clinical testing. Allele origin: germline. Observed: 1 variant allele, 1 heterozygote.

PreventionGenetics, part of Exact Sciences
Classification: Uncertain significance for CC2D2A-related condition. Last evaluated: 2024-06-21. Review status: no assertion criteria provided. Collection method: clinical testing. Allele origin: germline. Not counted in ClinVar's aggregate classification.
Comment: The CC2D2A c.950G>T variant is predicted to result in the amino acid substitution p.Gly317Val. To our knowledge, this variant has not been reported in the literature. This variant is reported in 0.016% of alleles in individuals of African descent in gnomAD. At this time, the clinical significance of this variant is uncertain due to the absence of conclusive functional and genetic evidence.